The following is an entry in ClinVar:

ClinVar aggregate classification (germline): Uncertain significance (1 of 4 stars; one submission).

Allele frequency attached by ClinVar (database versions not stated): gnomAD exomes 0.00001; ExAC 0.00005.

Submission:

Labcorp Genetics (formerly Invitae), Labcorp
Classification: Uncertain significance. Last evaluated: 2022-05-26. Review status: criteria provided, single submitter. Criteria: Invitae Variant Classification Sherloc (09022015). Collection method: clinical testing. Allele origin: germline.
Comment: This sequence change replaces arginine, which is basic and polar, with lysine, which is basic and polar, at codon 24 of the CRIPT protein (p.Arg24Lys). In summary, the available evidence is currently insufficient to determine the role of this variant in disease. Therefore, it has been classified as a Variant of Uncertain Significance. Algorithms developed to predict the effect of missense changes on protein structure and function are either unavailable or do not agree on the potential impact of this missense change (SIFT: "Deleterious"; PolyPhen-2: "Benign"; Align-GVGD: "Class C0"). This variant has not been reported in the literature in individuals affected with CRIPT-related conditions. This variant is present in population databases (rs753774289, gnomAD 0.02%).

NM_014171.6(CRIPT):c.71G>A (p.Arg24Lys)

Gene: CRIPT (CXXC repeat containing interactor of PDZ3 domain; plus strand). Cytogenetic location: 2p21.
Variant type: single nucleotide variant.
Coding change: c.71G>A on transcript NM_014171.6 (MANE Select); coding-DNA position 71, G replaced by A.
Protein change: p.Arg24Lys; replaces arginine 24 with lysine.
Molecular consequence: missense variant.
Genome position (GRCh38, 1-based): chr2:46,618,827, G>A. VCF-style: chr2-46618827-G-A. GRCh37 (hg19) VCF-style: chr2-46845966-G-A.
Other names: short protein forms R24K.
Identifiers: ClinVar variation 2104700 (VCV002104700.4), dbSNP rs753774289, ClinGen allele CA1646265.